The following is an entry in ClinVar:

ClinVar aggregate classification (germline): Uncertain significance (1 of 4 stars; one submission).

Conditions:
Hereditary cancer-predisposing syndrome. Also called: Neoplastic Syndromes, Hereditary; Hereditary neoplastic syndrome; Tumor predisposition; Hereditary Cancer Syndrome. Identifiers: Orphanet 140162, MedGen C0027672, MeSH D009386, MONDO:0015356.

Submission:

Ambry Genetics
Classification: Uncertain significance for Hereditary cancer-predisposing syndrome. Last evaluated: 2015-02-10. Review status: criteria provided, single submitter. Criteria: Ambry Variant Classification Scheme 2023. Collection method: clinical testing. Allele origin: germline.
Comment: The p.I2356F variant (also known as c.7066A>T), located in coding exon 47 of the ATM gene, results from an A to T substitution at nucleotide position 7066. The isoleucine at codon 2356 is replaced by phenylalanine, an amino acid with highly similar properties. This variant was not reported in population based cohorts in the following databases: Database of Single Nucleotide Polymorphisms (dbSNP), NHLBI Exome Sequencing Project (ESP), and 1000 Genomes Project. In the ESP, this variant was not observed in 6499 samples (12998 alleles) with coverage at this position. To date, this alteration has been detected with an allele frequency of approximately 0.002% (greater than 41,000 alleles tested) in our clinical cohort. Based on protein sequence alignment, this amino acid position is highly conserved in available vertebrate species. In addition, this alteration is predicted to be deleterious by in silico analysis. Since supporting evidence is limited at this time, the clinical significance of p.I2356F remains unclear.

NM_000051.4(ATM):c.7066A>T (p.Ile2356Phe)

Genes: ATM (ATM serine/threonine kinase; plus strand), C11orf65 (chromosome 11 open reading frame 65; minus strand). Cytogenetic location: 11q22.3.
Variant type: single nucleotide variant.
Coding change: c.7066A>T on transcript NM_000051.4 (MANE Select); coding-DNA position 7066, A replaced by T.
Protein change: p.Ile2356Phe; replaces isoleucine 2356 with phenylalanine.
Molecular consequence: missense variant. On other transcripts: intron variant (2).
Genome position (GRCh38, 1-based): chr11:108,327,735, A>T. VCF-style: chr11-108327735-A-T. GRCh37 (hg19) VCF-style: chr11-108198462-A-T.
Other names: c.7066A>T, p.Ile2356Phe (NM_001351834.2); c.641-18664T>A (NM_001330368.2); c.*38+7485T>A (NM_001351110.2); short protein forms I2356F.
Identifiers: ClinVar variation 230348 (VCV000230348.7), dbSNP rs876658517, ClinGen allele CA10579249.
Genomic context (GRCh38, chr11:108,327,735, plus strand): 5'-GAATGTCTGAGGGTTTGTGGCAACTGGTTAGCAGAAACGTGCTTAGAAAATCCTGCGGTC[A>T]TCATGCAGACCTATCTAGAAAAGGTAAGATTTTTGGAGCAACCCTTAAGATAGTTACTTA-3'
Protein context (NP_000042.3, residues 2346-2366): AETCLENPAV[Ile2356Phe]MQTYLEKAVE